The following is an entry in ClinVar:

ClinVar aggregate classification (germline): Uncertain significance (1 of 4 stars; one submission).

Allele frequency attached by ClinVar (database versions not stated): gnomAD exomes below 0.00001; ExAC 0.00001; gnomAD 0.00001; TOPMed 0.00001.
gnomAD v4.1: 6 of 1,613,742 alleles (0.00037%); highest among the groups gnomAD compares: African/African-American, 0.008%; no homozygotes.

Submission:

Labcorp Genetics (formerly Invitae), Labcorp
Classification: Uncertain significance. Last evaluated: 2025-01-06. Review status: criteria provided, single submitter. Criteria: Invitae Variant Classification Sherloc (09022015). Collection method: clinical testing. Allele origin: germline.
Comment: This sequence change replaces histidine, which is basic and polar, with leucine, which is neutral and non-polar, at codon 421 of the DMXL2 protein (p.His421Leu). The frequency data for this variant in the population databases is considered unreliable, as metrics indicate poor data quality at this position in the gnomAD database. This variant has not been reported in the literature in individuals affected with DMXL2-related conditions. ClinVar contains an entry for this variant (Variation ID: 2119829). An algorithm developed to predict the effect of missense changes on protein structure and function (PolyPhen-2) suggests that this variant is likely to be tolerated. In summary, the available evidence is currently insufficient to determine the role of this variant in disease. Therefore, it has been classified as a Variant of Uncertain Significance.

NM_001378457.1(DMXL2):c.1262A>T (p.His421Leu)

Gene: DMXL2 (Dmx like 2; minus strand). Cytogenetic location: 15q21.2.
Variant type: single nucleotide variant.
Coding change: c.1262A>T on transcript NM_001378457.1 (MANE Select); coding-DNA position 1262, A replaced by T.
Protein change: p.His421Leu; replaces histidine 421 with leucine.
Molecular consequence: missense variant. On other transcripts: non-coding transcript variant (2), intron variant (1).
Genome position (GRCh38, 1-based): chr15:51,538,296, T>A on the plus strand (A>T on the coding strand, the complement: DMXL2 is on the minus strand). VCF-style: chr15-51538296-T-A. GRCh37 (hg19) VCF-style: chr15-51830493-T-A.
Other names: c.1262A>T, p.His421Leu (NM_001174116.3, NM_001174117.3, NM_001378458.1 and 6 more transcripts); c.1106-537A>T (NM_001378464.1); short protein forms H421L.
Identifiers: ClinVar variation 2119829 (VCV002119829.3), dbSNP rs752304609, ClinGen allele CA7562632.